The following is an entry in ClinVar:

NM_015346.4(ZFYVE26):c.273+13A>G

Gene: ZFYVE26 (zinc finger FYVE-type containing 26; minus strand). Cytogenetic location: 14q24.1.
Variant type: single nucleotide variant.
Coding change: c.273+13A>G on transcript NM_015346.4 (MANE Select); 13 bases into the intron after coding-DNA position 273, A replaced by G.
Molecular consequence: intron variant.
Genome position (GRCh38, 1-based): chr14:67,813,973, T>C on the plus strand (A>G on the coding strand, the complement: ZFYVE26 is on the minus strand). VCF-style: chr14-67813973-T-C. GRCh37 (hg19) VCF-style: chr14-68280690-T-C.
Identifiers: ClinVar variation 313930 (VCV000313930.15), dbSNP rs150070634, ClinGen allele CA7240845.
Genomic context (GRCh38, chr14:67,813,973, plus strand): 5'-GGAAATCCCACAACTACTTTCAAGTTCTTCTCAGTCCTGGCCTCGGAGGAAAATTTAATA[T>C]AAACCTACTTACCTTTTCCCGGGCCAACCATTTCTCCAGTACAAGAAGCCAGACCCAGGC-3'

ClinVar aggregate classification (germline): Benign/Likely benign. Review status: criteria provided, multiple submitters, no conflicts (2 of 4 stars). 4 submissions from 4 submitters: Benign (2); Likely benign (2). Last evaluated 2026-01-28.

Conditions:
Spastic paraplegia. Identifiers: MedGen C0037772, HP:0001258.
Hereditary spastic paraplegia 15 (SPG15). Also called: KJELLIN SYNDROME; SPASTIC PARAPLEGIA 15, AUTOSOMAL RECESSIVE; SPASTIC PARAPLEGIA AND RETINAL DEGENERATION. Identifiers: Orphanet 100996, MedGen C1849128, MONDO:0010044, OMIM 270700.

Allele frequency attached by ClinVar (database versions not stated): gnomAD exomes 0.00138 and 0.00046; ExAC 0.00144; 1000 Genomes Project 30x 0.00297; 1000 Genomes Project 0.00319; gnomAD 0.00070 and 0.00080; TOPMed 0.00106.
gnomAD v4.1: 967 of 1,607,806 alleles (0.06%); highest among the groups gnomAD compares: East Asian, 1.6%; 9 homozygotes.

Submissions (8):

Labcorp Genetics (formerly Invitae), Labcorp
Classification: Benign for Spastic paraplegia. Last evaluated: 2026-01-28. Review status: criteria provided, single submitter. Criteria: Invitae Variant Classification Sherloc (09022015). Collection method: clinical testing. Allele origin: germline.

Blueprint Genetics
Classification: Likely benign. Last evaluated: 2024-11-27. Review status: criteria provided, single submitter. Criteria: ACMG Guidelines, 2015. Collection method: clinical testing. Allele origin: germline.

Genome-Nilou Lab
Classification: Benign for Hereditary spastic paraplegia 15. Last evaluated: 2021-12-05. Review status: criteria provided, single submitter. Criteria: ACMG Guidelines, 2015. Collection method: clinical testing. Allele origin: germline. Affected: no.

Illumina Laboratory Services, Illumina
Classification: Likely benign for Hereditary spastic paraplegia 15. Last evaluated: 2018-01-12. Review status: criteria provided, single submitter. Criteria: ICSL Variant Classification Criteria 13 December 2019. Collection method: clinical testing. Allele origin: germline.
Comment: This variant was observed in the ICSL laboratory as part of a predisposition screen in an ostensibly healthy population. It had not been previously curated by ICSL or reported in the Human Gene Mutation Database (HGMD: prior to June 1st, 2018), and was therefore a candidate for classification through an automated scoring system. Utilizing variant allele frequency, disease prevalence and penetrance estimates, and inheritance mode, an automated score was calculated to assess if this variant is too frequent to cause the disease. Based on the score and internal cut-off values, a variant classified as likely benign is not then subjected to further curation. The score for this variant resulted in a classification of likely benign for this disease.

Dr. Peter K. Rogan Lab, Western University
No classification provided (evidence only). Condition: Gastric cancer. Review status: no classification provided. Collection method: in vitro. Allele origin: not applicable. Functional consequence: retained intron. Not counted in ClinVar's aggregate classification.

Dr. Peter K. Rogan Lab, Western University
No classification provided (evidence only). Condition: Gastric cancer. Review status: no classification provided. Collection method: in vitro. Allele origin: not applicable. Functional consequence: retained intron. Not counted in ClinVar's aggregate classification.

Dr. Peter K. Rogan Lab, Western University
No classification provided (evidence only). Condition: Malignant tumor of esophagus. Review status: no classification provided. Collection method: in vitro. Allele origin: not applicable. Functional consequence: retained intron. Not counted in ClinVar's aggregate classification.

Dr. Peter K. Rogan Lab, Western University
No classification provided (evidence only). Condition: Malignant tumor of esophagus. Review status: no classification provided. Collection method: in vitro. Allele origin: not applicable. Functional consequence: retained intron. Not counted in ClinVar's aggregate classification.